The following is an entry in ClinVar:

ClinVar aggregate classification (germline): Conflicting classifications of pathogenicity. Review status: criteria provided, conflicting classifications (1 of 4 stars). 6 submissions from 6 submitters: Uncertain significance (1); Benign (1); Likely benign (4). Last evaluated 2025-05-05.

Conditions:
MRE11-related disorder. Also called: MRE11-related condition.
Hereditary cancer-predisposing syndrome. Also called: Neoplastic Syndromes, Hereditary; Tumor predisposition; Hereditary neoplastic syndrome; Hereditary Cancer Syndrome. Identifiers: Orphanet 140162, MedGen C0027672, MeSH D009386, MONDO:0015356.
Ataxia-telangiectasia-like disorder (ATLD). Identifiers: MedGen C1858391, MONDO:0011457.

Allele frequency attached by ClinVar (database versions not stated): TOPMed 0.00003.
gnomAD v4.1: 42 of 1,611,578 alleles (0.0026%); highest among the groups gnomAD compares: Admixed American, 0.013%; no homozygotes.

Submissions (7):

Labcorp Genetics (formerly Invitae), Labcorp
Classification: Likely benign for Ataxia-telangiectasia-like disorder. Last evaluated: 2025-05-05. Review status: criteria provided, single submitter. Criteria: Invitae Variant Classification Sherloc (09022015). Collection method: clinical testing. Allele origin: germline.

PreventionGenetics, part of Exact Sciences
Classification: Likely benign for MRE11-related condition. Last evaluated: 2024-12-20. Review status: criteria provided, single submitter. Criteria: ACMG Guidelines, 2015. Collection method: clinical testing. Allele origin: germline.
Comment: This variant is classified as likely benign based on ACMG/AMP sequence variant interpretation guidelines (Richards et al. 2015 PMID: 25741868, with internal and published modifications).

Blueprint Genetics
Classification: Likely benign. Last evaluated: 2024-09-12. Review status: criteria provided, single submitter. Criteria: ACMG Guidelines, 2015. Collection method: clinical testing. Allele origin: germline.

Women's Health and Genetics/Laboratory Corporation of America, LabCorp
Classification: Benign. Last evaluated: 2024-01-02. Review status: criteria provided, single submitter. Criteria: LabCorp Variant Classification Summary - May 2015. Collection method: clinical testing. Allele origin: germline.
Comment: Variant summary: MRE11A c.1090C>A alters a conserved nucleotide resulting in a synonymous change. Consensus agreement among computation tools predict no significant impact on normal splicing. However, these predictions have yet to be confirmed by functional studies. The variant allele was found at a frequency of 6.7e-05 in 282770 control chromosomes, predominantly at a frequency of 0.0011 within the Ashkenazi Jewish subpopulation in the gnomAD database. The observed variant frequency within Ashkenazi Jewish control individuals in the gnomAD database is approximately 17-fold of the estimated maximal expected allele frequency for a pathogenic variant in MRE11A causing Hereditary Breast And Ovarian Cancer Syndrome phenotype (6.3e-05), strongly suggesting that the variant is a benign polymorphism. To our knowledge, no occurrence of c.1090C>A in individuals affected with Hereditary Breast And Ovarian Cancer Syndrome and no experimental evidence demonstrating its impact on protein function have been reported. Two submitters have cited clinical-significance assessments for this variant to ClinVar after 2014. One submitter classified the variant as likely benign, while the other submitter classified the variant as uncertain significance. Based on the evidence outlined above, the variant was classified as benign.

GeneDx
Classification: Uncertain significance. Last evaluated: 2019-05-17. Review status: criteria provided, single submitter. Criteria: GeneDx Variant Classification Process June 2021. Collection method: clinical testing. Allele origin: germline. Affected: yes.
Comment: Has not been previously published as pathogenic or benign to our knowledge; In-silico analysis, which includes splice predictors and evolutionary conservation, is inconclusive as to whether the variant alters gene splicing. In the absence of RNA/functional studies, the actual effect of this sequence change is unknown.

Ambry Genetics
Classification: Likely benign for Hereditary cancer-predisposing syndrome. Last evaluated: 2014-10-17. Review status: criteria provided, single submitter. Criteria: Ambry Variant Classification Scheme 2023. Collection method: clinical testing. Allele origin: germline.

Dr. Peter K. Rogan Lab, Western University
No classification provided (evidence only). Condition: Thyroid cancer, nonmedullary, 1. Review status: no classification provided. Collection method: in vitro. Allele origin: not applicable. Functional consequence: retained intron. Not counted in ClinVar's aggregate classification.

NM_005591.4(MRE11):c.1090C>A (p.Arg364=)

Gene: MRE11 (MRE11 double strand break repair nuclease; minus strand). Cytogenetic location: 11q21.
Variant type: single nucleotide variant.
Coding change: c.1090C>A on transcript NM_005591.4 (MANE Select); coding-DNA position 1090, C replaced by A.
Protein change: p.Arg364=; no amino-acid change (arginine 364 retained).
Molecular consequence: synonymous variant.
Genome position (GRCh38, 1-based): chr11:94,467,821, G>T on the plus strand (C>A on the coding strand, the complement: MRE11 is on the minus strand). VCF-style: chr11-94467821-G-T. GRCh37 (hg19) VCF-style: chr11-94200987-G-T.
Other names: c.1090C>A, p.Arg364= (NM_001330347.2, NM_005590.4).
Identifiers: ClinVar variation 186775 (VCV000186775.21), dbSNP rs371077728, ClinGen allele CA195836.
Genomic context (GRCh38, chr11:94,467,821, plus strand): 5'-ATTACTATGCTTTGAAAATTAATAATATTCAATCTATATAAATAGGACTTACTCGCAGTC[G>T]TACAAGAGGCTTCTCTGGCTGGTGAGAATTACCCAGACGTTCCCGTTCAGCATTTTCAAG-3'
Protein context (NP_005582.1, residues 354-374): NSHQPEKPLV[Arg364=]LRVDYSGGFE